The following is an entry in ClinVar:

ClinVar aggregate classification (germline): Conflicting classifications of pathogenicity. Review status: criteria provided, conflicting classifications (1 of 4 stars). 3 submissions from 3 submitters: Uncertain significance (1); Likely benign (2). Last evaluated 2026-02-02.

Conditions:
Inborn genetic diseases. Identifiers: MedGen C0950123, MeSH D030342.

Allele frequency attached by ClinVar (database versions not stated): ExAC 0.00005; gnomAD 0.00006; TOPMed 0.00007; ESP Exome Variant Server 0.00008; gnomAD exomes 0.00010.
gnomAD v4.1: 151 of 1,614,096 alleles (0.0094%); highest among the groups gnomAD compares: Non-Finnish European, 0.012%; no homozygotes.

Submissions (3):

Labcorp Genetics (formerly Invitae), Labcorp
Classification: Likely benign. Last evaluated: 2026-02-02. Review status: criteria provided, single submitter. Criteria: Invitae Variant Classification Sherloc (09022015). Collection method: clinical testing. Allele origin: germline.

Women's Health and Genetics/Laboratory Corporation of America, LabCorp
Classification: Uncertain significance. Last evaluated: 2025-07-24. Review status: criteria provided, single submitter. Criteria: LabCorp Variant Classification Summary - May 2015. Collection method: clinical testing. Allele origin: germline.
Comment: Variant summary: KAT6A c.2918A>G (p.Tyr973Cys) results in a non-conservative amino acid change in the encoded protein sequence. Algorithms developed to predict the effect of missense changes on protein structure and function are either unavailable or do not agree on the potential impact of this missense change. The variant allele was found at a frequency of 2.8e-05 in 251446 control chromosomes (gnomAD). The available data on variant occurrences in the general population are insufficient to allow any conclusion about variant significance. To our knowledge, no occurrence of c.2918A>G in individuals affected with Arboleda-Tham Syndrome and no experimental evidence demonstrating its impact on protein function have been reported. ClinVar contains an entry for this variant (Variation ID: 2068748). Based on the evidence outlined above, the variant was classified as uncertain significance.

Ambry Genetics
Classification: Likely benign for Inborn genetic diseases. Last evaluated: 2023-01-11. Review status: criteria provided, single submitter. Criteria: Ambry Variant Classification Scheme 2023. Collection method: clinical testing. Allele origin: germline.

NM_006766.5(KAT6A):c.2918A>G (p.Tyr973Cys)

Gene: KAT6A (lysine acetyltransferase 6A; minus strand). Cytogenetic location: 8p11.21.
Variant type: single nucleotide variant.
Coding change: c.2918A>G on transcript NM_006766.5 (MANE Select); coding-DNA position 2918, A replaced by G.
Protein change: p.Tyr973Cys; replaces tyrosine 973 with cysteine.
Molecular consequence: missense variant.
Genome position (GRCh38, 1-based): chr8:41,940,963, T>C on the plus strand (A>G on the coding strand, the complement: KAT6A is on the minus strand). VCF-style: chr8-41940963-T-C. GRCh37 (hg19) VCF-style: chr8-41798481-T-C.
Other names: c.2918A>G (NM_006766.3); short protein forms Y973C.
Identifiers: ClinVar variation 2068748 (VCV002068748.7), dbSNP rs141667969, ClinGen allele CA4729808.